The following is an entry in ClinVar:

NM_001134363.3(RBM20):c.3517G>A (p.Glu1173Lys)

Gene: RBM20 (RNA binding motif protein 20; plus strand). Cytogenetic location: 10q25.2.
Variant type: single nucleotide variant.
Coding change: c.3517G>A on transcript NM_001134363.3 (MANE Select); coding-DNA position 3517, G replaced by A.
Protein change: p.Glu1173Lys; replaces glutamic acid 1173 with lysine.
Molecular consequence: missense variant.
Genome position (GRCh38, 1-based): chr10:110,831,126, G>A. VCF-style: chr10-110831126-G-A. GRCh37 (hg19) VCF-style: chr10-112590884-G-A.
Other names: p.Glu1173Lys; short protein forms E1173K.
Identifiers: ClinVar variation 470612 (VCV000470612.17), dbSNP rs542297252, ClinGen allele CA5688796.

ClinVar aggregate classification (germline): Uncertain significance. Review status: criteria provided, multiple submitters, no conflicts (2 of 4 stars). 5 submissions from 5 submitters: Uncertain significance (5). Last evaluated 2025-08-17.

Conditions:
Cardiovascular phenotype. Identifiers: MedGen CN230736.
Primary dilated cardiomyopathy (DCM). Also called: Dilated Cardiomyopathy. Identifiers: Orphanet 217604, MedGen C0007193, MeSH D002311, MONDO:0005021, HP:0001644. Inheritance: Various modes of inheritance.
Dilated cardiomyopathy 1DD (CMD1DD). Identifiers: Orphanet 154, MedGen C2750995, MONDO:0013168, OMIM 613172.

Allele frequency attached by ClinVar (database versions not stated): gnomAD below 0.00001 and 0.00003; gnomAD exomes 0.00002 and 0.00003; TOPMed 0.00003; ExAC 0.00015; 1000 Genomes Project 0.00020; 1000 Genomes Project 30x 0.00031.
gnomAD v4.1: 34 of 1,551,588 alleles (0.0022%); highest among the groups gnomAD compares: South Asian, 0.035%; 1 homozygote.

Submissions (5):

Labcorp Genetics (formerly Invitae), Labcorp
Classification: Uncertain significance for Dilated cardiomyopathy 1DD. Last evaluated: 2025-08-17. Review status: criteria provided, single submitter. Criteria: Invitae Variant Classification Sherloc (09022015). Collection method: clinical testing. Allele origin: germline.
Comment: This sequence change replaces glutamic acid, which is acidic and polar, with lysine, which is basic and polar, at codon 1173 of the RBM20 protein (p.Glu1173Lys). This variant is present in population databases (rs542297252, gnomAD 0.02%). This variant has not been reported in the literature in individuals affected with RBM20-related conditions. ClinVar contains an entry for this variant (Variation ID: 470612). Invitae Evidence Modeling of protein sequence and biophysical properties (such as structural, functional, and spatial information, amino acid conservation, physicochemical variation, residue mobility, and thermodynamic stability) has been performed for this missense variant. However, the output from this modeling did not meet the statistical confidence thresholds required to predict the impact of this variant on RBM20 protein function. In summary, the available evidence is currently insufficient to determine the role of this variant in disease. Therefore, it has been classified as a Variant of Uncertain Significance.

Fulgent Genetics
Classification: Uncertain significance for Dilated cardiomyopathy 1DD. Last evaluated: 2024-04-30. Review status: criteria provided, single submitter. Criteria: ACMG Guidelines, 2015. Collection method: clinical testing. Allele origin: germline.

Ambry Genetics
Classification: Uncertain significance for Cardiovascular phenotype. Last evaluated: 2023-03-03. Review status: criteria provided, single submitter. Criteria: Ambry Variant Classification Scheme 2023. Collection method: clinical testing. Allele origin: germline.
Comment: The p.E1173K variant (also known as c.3517G>A), located in coding exon 13 of the RBM20 gene, results from a G to A substitution at nucleotide position 3517. The glutamic acid at codon 1173 is replaced by lysine, an amino acid with similar properties. This amino acid position is highly conserved in available vertebrate species. In addition, this alteration is predicted to be deleterious by in silico analysis. Since supporting evidence is limited at this time, the clinical significance of this alteration remains unclear.

Clinical Genomics Laboratory, Stanford Medicine
Classification: Uncertain significance for Dilated cardiomyopathy 1DD. Last evaluated: 2021-04-01. Review status: criteria provided, single submitter. Criteria: ACMG Guidelines, 2015. Collection method: clinical testing. Allele origin: germline. Affected: yes. Observed: 1 heterozygote.
Comment: The p.Glu1173Lys variant in the RBM20 gene has not been previously reported in association with disease. • This variant has been identified in 4/22,770 South Asian chromosomes by the Genome Aggregation Database. • Computational tools predict that p.Glu1173Lys variant is deleterious; however, the accuracy of in silico algorithms is limited. • These data were assessed using the ACMG/AMP variant interpretation guidelines. In summary, the significance of the p.Glu1173Lys variant is uncertain. Additional information is needed to resolve the significance of this variant. [ACMG evidence codes used: PM2; PP3

Genetics and Genomics Program, Sidra Medicine
Classification: Uncertain significance for Primary dilated cardiomyopathy. Review status: criteria provided, single submitter. Criteria: ACMG Guidelines, 2015. Collection method: research. Allele origin: unknown. Affected: yes. Observed: 1 variant allele.